The following is an entry in ClinVar:

NM_003227.4(TFR2):c.966+5G>A

Gene: TFR2 (transferrin receptor 2; minus strand). Cytogenetic location: 7q22.1.
Variant type: single nucleotide variant.
Coding change: c.966+5G>A on transcript NM_003227.4 (MANE Select); 5 bases into the intron after coding-DNA position 966, G replaced by A.
Molecular consequence: intron variant.
Genome position (GRCh38, 1-based): chr7:100,632,077, C>T on the plus strand (G>A on the coding strand, the complement: TFR2 is on the minus strand). VCF-style: chr7-100632077-C-T. GRCh37 (hg19) VCF-style: chr7-100229700-C-T.
Other names: c.453+5G>A (NM_001206855.3).
Identifiers: ClinVar variation 2062311 (VCV002062311.4), dbSNP rs1319622152, ClinGen allele CA830505275.
Genomic context (GRCh38, chr7:100,632,077, plus strand): 5'-TATTCTGAGCAAGAAGGTGTGGCCTCGGGACCTGGGAACAGCACGACCAGCCTCCCCAGA[C>T]TCACATGTCCATACACTGCCTGCTGGCTGGACAGGCTTGGCTTGGGTGGGTCCTGGGAGA-3'

ClinVar aggregate classification (germline): Uncertain significance (1 of 4 stars; one submission).

Conditions:
Hereditary hemochromatosis (HFE). Identifiers: MedGen C0392514, MONDO:0006507. Disease mechanism: loss of function.

Allele frequency attached by ClinVar (database versions not stated): gnomAD 0.00001; gnomAD exomes 0.00001; TOPMed below 0.00001.
gnomAD v4.1: 7 of 1,614,076 alleles (0.00043%); highest among the groups gnomAD compares: Non-Finnish European, 0.00059%; no homozygotes.

Submission:

Labcorp Genetics (formerly Invitae), Labcorp
Classification: Uncertain significance for Hereditary hemochromatosis. Last evaluated: 2022-08-04. Review status: criteria provided, single submitter. Criteria: Invitae Variant Classification Sherloc (09022015). Collection method: clinical testing. Allele origin: germline.
Comment: In summary, the available evidence is currently insufficient to determine the role of this variant in disease. Therefore, it has been classified as a Variant of Uncertain Significance. Variants that disrupt the consensus splice site are a relatively common cause of aberrant splicing (PMID: 17576681, 9536098). Algorithms developed to predict the effect of sequence changes on RNA splicing suggest that this variant may disrupt the consensus splice site. This variant has not been reported in the literature in individuals affected with TFR2-related conditions. This variant is not present in population databases (gnomAD no frequency). This sequence change falls in intron 7 of the TFR2 gene. It does not directly change the encoded amino acid sequence of the TFR2 protein. It affects a nucleotide within the consensus splice site.

Literature cited by the submitters: PubMed 17576681; PubMed 9536098.